The following is an entry in ClinVar:

NM_013275.6(ANKRD11):c.2902C>T (p.Pro968Ser)

Gene: ANKRD11 (ankyrin repeat domain 11; minus strand). Cytogenetic location: 16q24.3.
Variant type: single nucleotide variant.
Coding change: c.2902C>T on transcript NM_013275.6 (MANE Select); coding-DNA position 2902, C replaced by T.
Protein change: p.Pro968Ser; replaces proline 968 with serine.
Molecular consequence: missense variant.
Genome position (GRCh38, 1-based): chr16:89,283,640, G>A on the plus strand (C>T on the coding strand, the complement: ANKRD11 is on the minus strand). VCF-style: chr16-89283640-G-A. GRCh37 (hg19) VCF-style: chr16-89350048-G-A.
Other names: c.2902C>T, p.Pro968Ser (NM_001256182.2, NM_001256183.2); short protein forms P968S.
Identifiers: ClinVar variation 4700739 (VCV004700739.1).
Genomic context (GRCh38, chr16:89,283,640, plus strand): 5'-TGTCCTTGAAGCCACTCTCGCAGCCACACTCCTTCAGCTCCTCCCGGTGCGCCTCCTCGG[G>A]CTTGGCCCTGCCGTCCCTGCGCTCCTTGCAGCTCTCCAGGGCGTCCTTTCTGTCCCGCCC-3'
Protein context (NP_037407.4, residues 958-978): CKERRDGRAK[Pro968Ser]EEAHREELKE

ClinVar aggregate classification (germline): Uncertain significance (1 of 4 stars; one submission).

Conditions:
KBG syndrome (KBGS). Also called: ANKRD11-Related KBG Syndrome. Identifiers: Orphanet 2332, MedGen C0220687, MONDO:0007846, OMIM 148050.

gnomAD v4.1: 1 of 1,610,762 alleles (0.000062%); no homozygotes.

Submission:

Labcorp Genetics (formerly Invitae), Labcorp
Classification: Uncertain significance for KBG syndrome. Last evaluated: 2025-10-23. Review status: criteria provided, single submitter. Criteria: Invitae Variant Classification Sherloc (09022015). Collection method: clinical testing. Allele origin: germline.
Comment: This sequence change replaces proline, which is neutral and non-polar, with serine, which is neutral and polar, at codon 968 of the ANKRD11 protein (p.Pro968Ser). The frequency data for this variant in the population databases is considered unreliable, as metrics indicate poor data quality at this position in the gnomAD database. This variant has not been reported in the literature in individuals affected with ANKRD11-related conditions. Invitae Evidence Modeling of protein sequence and biophysical properties (such as structural, functional, and spatial information, amino acid conservation, physicochemical variation, residue mobility, and thermodynamic stability) indicates that this missense variant is not expected to disrupt ANKRD11 protein function with a negative predictive value of 95%. In summary, the available evidence is currently insufficient to determine the role of this variant in disease. Therefore, it has been classified as a Variant of Uncertain Significance.